The following is an entry in ClinVar:

NM_176787.5(PIGN):c.2747C>T (p.Thr916Ile)

Gene: PIGN (phosphatidylinositol glycan anchor biosynthesis class N; minus strand). Cytogenetic location: 18q21.33.
Variant type: single nucleotide variant.
Coding change: c.2747C>T on transcript NM_176787.5 (MANE Select); coding-DNA position 2747, C replaced by T.
Protein change: p.Thr916Ile; replaces threonine 916 with isoleucine.
Molecular consequence: missense variant.
Genome position (GRCh38, 1-based): chr18:62,045,905, G>A on the plus strand (C>T on the coding strand, the complement: PIGN is on the minus strand). VCF-style: chr18-62045905-G-A. GRCh37 (hg19) VCF-style: chr18-59713138-G-A.
Other names: c.2747C>T, p.Thr916Ile (NM_012327.6); short protein forms T916I.
Identifiers: ClinVar variation 1046650 (VCV001046650.7), dbSNP rs753641623, ClinGen allele CA8981874.
Genomic context (GRCh38, chr18:62,045,905, plus strand): 5'-CTTCAGCAACCTCACATGAAGTGACTTTTGGGTTTGCCACATAGTCTGAGTTTCTTCGTT[G>A]TGAGCAGCTGGGCCAGGCCATTGAGGAACACCAAAAAGATGGTCATGGACATGACAATCA-3'
Protein context (NP_789744.1, residues 906-926): VFLNGLAQLL[Thr916Ile]TKKLRLCGKP

ClinVar aggregate classification (germline): Uncertain significance. Review status: criteria provided, multiple submitters, no conflicts (2 of 4 stars). 2 submissions from 2 submitters: Uncertain significance (2). Last evaluated 2022-08-10.

Conditions:
Multiple congenital anomalies-hypotonia-seizures syndrome 1 (MCAHS1). Also called: PIGN-CDG; Congenital disorder of glycosylation due to PIGN deficiency; GLYCOSYLPHOSPHATIDYLINOSITOL BIOSYNTHESIS DEFECT 3. Identifiers: Orphanet 280633, MedGen C3279775, MONDO:0013563, OMIM 614080.
Inborn genetic diseases. Identifiers: MedGen C0950123, MeSH D030342.

Allele frequency attached by ClinVar (database versions not stated): gnomAD exomes below 0.00001 and 0.00001; ExAC 0.00001; gnomAD 0.00001 and 0.00002.
gnomAD v4.1: 6 of 1,613,820 alleles (0.00037%); highest among the groups gnomAD compares: East Asian, 0.0089%; no homozygotes.

Submissions (2):

Labcorp Genetics (formerly Invitae), Labcorp
Classification: Uncertain significance for Multiple congenital anomalies-hypotonia-seizures syndrome 1. Last evaluated: 2022-08-10. Review status: criteria provided, single submitter. Criteria: Invitae Variant Classification Sherloc (09022015). Collection method: clinical testing. Allele origin: germline.
Comment: This sequence change replaces threonine, which is neutral and polar, with isoleucine, which is neutral and non-polar, at codon 916 of the PIGN protein (p.Thr916Ile). This variant is present in population databases (rs753641623, gnomAD 0.01%). This variant has not been reported in the literature in individuals affected with PIGN-related conditions. ClinVar contains an entry for this variant (Variation ID: 1046650). Algorithms developed to predict the effect of missense changes on protein structure and function are either unavailable or do not agree on the potential impact of this missense change (SIFT: "Tolerated"; PolyPhen-2: "Probably Damaging"; Align-GVGD: "Class C0"). In summary, the available evidence is currently insufficient to determine the role of this variant in disease. Therefore, it has been classified as a Variant of Uncertain Significance.

Ambry Genetics
Classification: Uncertain significance for Inborn genetic diseases. Last evaluated: 2020-03-27. Review status: criteria provided, single submitter. Criteria: Ambry Variant Classification Scheme 2023. Collection method: clinical testing. Allele origin: germline.
Comment: The p.T916I variant (also known as c.2747C>T), located in coding exon 28 of the PIGN gene, results from a C to T substitution at nucleotide position 2747. The threonine at codon 916 is replaced by isoleucine, an amino acid with similar properties. This amino acid position is highly conserved in available vertebrate species. In addition, this alteration is predicted to be tolerated by in silico analysis. Since supporting evidence is limited at this time, the clinical significance of this alteration remains unclear.